The following is an entry in ClinVar:

ClinVar aggregate classification (germline): Conflicting classifications of pathogenicity. Review status: criteria provided, conflicting classifications (1 of 4 stars). 2 submissions from 2 submitters: Likely pathogenic (1); Uncertain significance (1). Last evaluated 2025-03-21.

Conditions:
Familial adenomatous polyposis 2. Also called: MYH-associated polyposis; Adenomas, multiple colorectal; COLORECTAL ADENOMATOUS POLYPOSIS, AUTOSOMAL RECESSIVE; ADENOMAS, MULTIPLE COLORECTAL, AUTOSOMAL RECESSIVE; FAP type 2; MUTYH Polyposis. Identifiers: Orphanet 220460, Orphanet 247798, MedGen C3272841, MONDO:0012041, OMIM 608456.
Hereditary cancer-predisposing syndrome. Also called: Tumor predisposition; Neoplastic Syndromes, Hereditary; Hereditary Cancer Syndrome; Hereditary neoplastic syndrome. Identifiers: Orphanet 140162, MedGen C0027672, MeSH D009386, MONDO:0015356.

Submissions (2):

Ambry Genetics
Classification: Likely pathogenic for Hereditary cancer-predisposing syndrome. Last evaluated: 2025-03-21. Review status: criteria provided, single submitter. Criteria: Ambry Variant Classification Scheme 2023. Collection method: clinical testing. Allele origin: germline.
Comment: The c.1518+4_1518+5delAG intronic variant, located in intron 15 of the MUTYH gene, results from a deletion of two nucleotides within intron 15 of the MUTYH gene. These nucleotide positions are highly conserved in available vertebrate species. In silico splice site analysis predicts that this alteration will weaken the native splice donor site. RNA studies have demonstrated that this alteration results in abnormal splicing in the set of samples tested (Ambry internal data). This variant is considered to be rare based on population cohorts in the Genome Aggregation Database (gnomAD). Based on the majority of available evidence to date, this variant is likely to be pathogenic.

Labcorp Genetics (formerly Invitae), Labcorp
Classification: Uncertain significance for Familial adenomatous polyposis 2. Last evaluated: 2025-03-03. Review status: criteria provided, single submitter. Criteria: Invitae Variant Classification Sherloc (09022015). Collection method: clinical testing. Allele origin: germline.
Comment: This sequence change falls in intron 15 of the MUTYH gene. It does not directly change the encoded amino acid sequence of the MUTYH protein. It affects a nucleotide within the consensus splice site. This variant is not present in population databases (gnomAD no frequency). This variant has not been reported in the literature in individuals affected with MUTYH-related conditions. ClinVar contains an entry for this variant (Variation ID: 1460691). Variants that disrupt the consensus splice site are a relatively common cause of aberrant splicing (PMID: 17576681, 9536098). Algorithms developed to predict the effect of sequence changes on RNA splicing suggest that this variant may disrupt the consensus splice site. In summary, the available evidence is currently insufficient to determine the role of this variant in disease. Therefore, it has been classified as a Variant of Uncertain Significance.

Literature cited by the submitters: PubMed 17576681 (cited by Labcorp Genetics (formerly Invitae), Labcorp); PubMed 9536098 (cited by Labcorp Genetics (formerly Invitae), Labcorp).

NM_001048174.2(MUTYH):c.1434+4_1434+5del

Gene: MUTYH (mutY DNA glycosylase; minus strand). Cytogenetic location: 1p34.1.
Variant type: Deletion.
Coding change: c.1434+4_1434+5del on transcript NM_001048174.2 (MANE Select); bases 4 to 5 of the intron after coding-DNA position 1434, 2 bases deleted (AG; older notation c.1434+4_1434+5delAG).
Molecular consequence: intron variant.
Genome position (GRCh38, 1-based): chr1:45,330,511-45,330,512, CT deleted on the plus strand (AG on the coding strand, the reverse complement: MUTYH is on the minus strand). VCF-style (leftmost placement, unchanged base first): chr1-45330510-ACT-A. GRCh37 (hg19) VCF-style: chr1-45796182-ACT-A.
Other names: c.1089+4_1089+5del (NM_001350651.2, NM_001350650.2); c.1158+4_1158+5del (NM_001293192.2, NM_001293196.2); c.1434+4_1434+5del (NM_001048171.2, NM_001048173.2, NM_001293195.2); c.1479+4_1479+5del (NM_001293190.2); c.1509+4_1509+5del (NM_012222.3); c.1518+4_1518+5del (NM_001128425.2); c.1437+4_1437+5del (NM_001048172.2); c.1467+4_1467+5del (NM_001293191.2); and 1 more.
Identifiers: ClinVar variation 1460691 (VCV001460691.8), dbSNP rs2149102589, ClinGen allele CA2573131988.